The following is an entry in ClinVar:

NM_014727.3(KMT2B):c.1521G>A (p.Pro507=)

Gene: KMT2B (lysine methyltransferase 2B; plus strand). Cytogenetic location: 19q13.12.
Variant type: single nucleotide variant.
Coding change: c.1521G>A on transcript NM_014727.3 (MANE Select); coding-DNA position 1521, G replaced by A.
Protein change: p.Pro507=; no amino-acid change (proline 507 retained).
Molecular consequence: synonymous variant.
Genome position (GRCh38, 1-based): chr19:35,720,868, G>A. VCF-style: chr19-35720868-G-A. GRCh37 (hg19) VCF-style: chr19-36211770-G-A.
Identifiers: ClinVar variation 2179387 (VCV002179387.28), dbSNP rs541943377, ClinGen allele CA9384241.

ClinVar aggregate classification (germline): Likely benign. Review status: criteria provided, multiple submitters, no conflicts (2 of 4 stars). 2 submissions from 2 submitters: Likely benign (2). Last evaluated 2024-04-22.

Allele frequency attached by ClinVar (database versions not stated): gnomAD 0.00001; TOPMed 0.00001; gnomAD exomes 0.00004; ExAC 0.00009; 1000 Genomes Project 0.00020; 1000 Genomes Project 30x 0.00031.
gnomAD v4.1: 53 of 1,589,084 alleles (0.0033%); highest among the groups gnomAD compares: Non-Finnish European, 0.0039%; no homozygotes.

Submissions (2):

Labcorp Genetics (formerly Invitae), Labcorp
Classification: Likely benign. Last evaluated: 2024-04-22. Review status: criteria provided, single submitter. Criteria: Invitae Variant Classification Sherloc (09022015). Collection method: clinical testing. Allele origin: germline.

CeGaT Center for Human Genetics Tuebingen
Classification: Likely benign. Last evaluated: 2022-10-01. Review status: criteria provided, single submitter. Criteria: CeGaT Center For Human Genetics Tuebingen Variant Classification Criteria Version 2. Collection method: clinical testing. Allele origin: germline. Affected: yes. Observed: 1 variant allele.
Comment: KMT2B: BP4, BP7